The following is an entry in ClinVar:

NM_198253.3(TERT):c.1688T>C (p.Val563Ala)

Gene: TERT (telomerase reverse transcriptase; minus strand). Cytogenetic location: 5p15.33.
Variant type: single nucleotide variant.
Coding change: c.1688T>C on transcript NM_198253.3 (MANE Select); coding-DNA position 1688, T replaced by C.
Protein change: p.Val563Ala; replaces valine 563 with alanine.
Molecular consequence: missense variant. On other transcripts: non-coding transcript variant (2).
Genome position (GRCh38, 1-based): chr5:1,282,510, A>G on the plus strand (T>C on the coding strand, the complement: TERT is on the minus strand). VCF-style: chr5-1282510-A-G. GRCh37 (hg19) VCF-style: chr5-1282625-A-G.
Other names: c.1688T>C, p.Val563Ala (NM_001193376.3, NM_003219.1); short protein forms V563A.
Identifiers: ClinVar variation 1720918 (VCV001720918.6), dbSNP rs2478305326, ClinGen allele CA359083063.

ClinVar aggregate classification (germline): Uncertain significance (1 of 4 stars; one submission).

Conditions:
Dyskeratosis congenita, autosomal dominant 2. Identifiers: MedGen C3151443, MONDO:0013521, OMIM 613989.
Idiopathic Pulmonary Fibrosis. Also called: Idiopathic fibrosing alveolitis, chronic form; idiopathic fibrosing alveolitis. Identifiers: Orphanet 2032, MedGen C1800706, MeSH D054990, MONDO:0800504.

Submission:

Labcorp Genetics (formerly Invitae), Labcorp
Classification: Uncertain significance for Dyskeratosis congenita, autosomal dominant 2; Idiopathic Pulmonary Fibrosis. Last evaluated: 2025-11-24. Review status: criteria provided, single submitter. Criteria: Invitae Variant Classification Sherloc (09022015). Collection method: clinical testing. Allele origin: germline.
Comment: This sequence change replaces valine, which is neutral and non-polar, with alanine, which is neutral and non-polar, at codon 563 of the TERT protein (p.Val563Ala). This variant is not present in population databases (gnomAD no frequency). This variant has not been reported in the literature in individuals affected with TERT-related conditions. ClinVar contains an entry for this variant (Variation ID: 1720918). Invitae Evidence Modeling of protein sequence and biophysical properties (such as structural, functional, and spatial information, amino acid conservation, physicochemical variation, residue mobility, and thermodynamic stability) indicates that this missense variant is expected to disrupt TERT protein function with a positive predictive value of 95%. In summary, the available evidence is currently insufficient to determine the role of this variant in disease. Therefore, it has been classified as a Variant of Uncertain Significance.